The following is an entry in ClinVar:

NM_000092.5(COL4A4):c.4978C>T (p.Gln1660Ter)

Gene: COL4A4 (collagen type IV alpha 4 chain; minus strand). Cytogenetic location: 2q36.3.
Variant type: single nucleotide variant.
Coding change: c.4978C>T on transcript NM_000092.5 (MANE Select); coding-DNA position 4978, C replaced by T.
Protein change: p.Gln1660Ter; replaces glutamine 1660 with a stop codon.
Molecular consequence: nonsense.
Genome position (GRCh38, 1-based): chr2:227,007,420, G>A on the plus strand (C>T on the coding strand, the complement: COL4A4 is on the minus strand). VCF-style: chr2-227007420-G-A. GRCh37 (hg19) VCF-style: chr2-227872136-G-A.
Other names: short protein forms Q1660*.
Identifiers: ClinVar variation 3639443 (VCV003639443.2).

ClinVar aggregate classification (germline): Pathogenic (1 of 4 stars; one submission).

Submission:

Labcorp Genetics (formerly Invitae), Labcorp
Classification: Pathogenic. Last evaluated: 2025-10-18. Review status: criteria provided, single submitter. Criteria: Invitae Variant Classification Sherloc (09022015). Collection method: clinical testing. Allele origin: germline.
Comment: This sequence change creates a premature translational stop signal (p.Gln1660*) in the COL4A4 gene. While this is not anticipated to result in nonsense mediated decay, it is expected to disrupt the last 31 amino acid(s) of the COL4A4 protein. This variant is not present in population databases (gnomAD no frequency). This variant has not been reported in the literature in individuals affected with COL4A4-related conditions. ClinVar contains an entry for this variant (Variation ID: 3639443). Algorithms developed to predict the effect of sequence changes on RNA splicing suggest that this variant may disrupt the consensus splice site. This variant disrupts a region of the COL4A4 protein in which other variant(s) (p.Cys1683Tyr) have been determined to be pathogenic (PMID: 26809805; internal data). This suggests that this is a clinically significant region of the protein, and that variants that disrupt it are likely to be disease-causing. For these reasons, this variant has been classified as Pathogenic.

Literature cited by the submitters: PubMed 26809805.